The following is an entry in ClinVar:

NM_000455.5(STK11):c.50T>C (p.Leu17Pro)

Gene: STK11 (serine/threonine kinase 11; plus strand). Cytogenetic location: 19p13.3.
Variant type: single nucleotide variant.
Coding change: c.50T>C on transcript NM_000455.5 (MANE Select); coding-DNA position 50, T replaced by C.
Protein change: p.Leu17Pro; replaces leucine 17 with proline.
Molecular consequence: missense variant.
Genome position (GRCh38, 1-based): chr19:1,206,963, T>C. VCF-style: chr19-1206963-T-C. GRCh37 (hg19) VCF-style: chr19-1206962-T-C.
Other names: short protein forms L17P.
Identifiers: ClinVar variation 861570 (VCV000861570.9), dbSNP rs2080670397, ClinGen allele CA402943310.
Genomic context (GRCh38, chr19:1,206,963, plus strand): 5'-CTGGGTCCAGCATGGAGGTGGTGGACCCGCAGCAGCTGGGCATGTTCACGGAGGGCGAGC[T>C]GATGTCGGTGGGTATGGACACGTTCATCCACCGCATCGACTCCACCGAGGTCATCTACCA-3'
Protein context (NP_000446.1, residues 7-27): QQLGMFTEGE[Leu17Pro]MSVGMDTFIH

ClinVar aggregate classification (germline): Uncertain significance (1 of 4 stars; one submission).

Conditions:
Peutz-Jeghers syndrome (PJS). Also called: Peutz-Jeghers polyposis; Periorificial lentiginosis syndrome; POLYPOSIS, HAMARTOMATOUS INTESTINAL; POLYPS-AND-SPOTS SYNDROME. Identifiers: Orphanet 2869, MedGen C0031269, MeSH D010580, MONDO:0008280, OMIM 175200.

Submission:

Labcorp Genetics (formerly Invitae), Labcorp
Classification: Uncertain significance for Peutz-Jeghers syndrome. Last evaluated: 2019-11-27. Review status: criteria provided, single submitter. Criteria: Invitae Variant Classification Sherloc (09022015). Collection method: clinical testing. Allele origin: germline.
Comment: In summary, the available evidence is currently insufficient to determine the role of this variant in disease. Therefore, it has been classified as a Variant of Uncertain Significance. Algorithms developed to predict the effect of missense changes on protein structure and function are either unavailable or do not agree on the potential impact of this missense change (SIFT: "Deleterious"; PolyPhen-2: "Probably Damaging"; Align-GVGD: "Class C0"). This variant has not been reported in the literature in individuals with STK11-related conditions. This variant is not present in population databases (ExAC no frequency). This sequence change replaces leucine with proline at codon 17 of the STK11 protein (p.Leu17Pro). The leucine residue is moderately conserved and there is a moderate physicochemical difference between leucine and proline.